The following is an entry in ClinVar:

NM_004560.4(ROR2):c.1906C>G (p.Leu636Val)

Gene: ROR2 (ROR family WNT receptor 2; minus strand). Cytogenetic location: 9q22.31.
Variant type: single nucleotide variant.
Coding change: c.1906C>G on transcript NM_004560.4 (MANE Select); coding-DNA position 1906, C replaced by G.
Protein change: p.Leu636Val; replaces leucine 636 with valine.
Molecular consequence: missense variant.
Genome position (GRCh38, 1-based): chr9:91,724,588, G>C on the plus strand (C>G on the coding strand, the complement: ROR2 is on the minus strand). VCF-style: chr9-91724588-G-C. GRCh37 (hg19) VCF-style: chr9-94486870-G-C.
Other names: short protein forms L636V.
Identifiers: ClinVar variation 3250996 (VCV003250996.18), dbSNP rs2490114939.

ClinVar aggregate classification (germline): Uncertain significance (1 of 4 stars; one submission).

Allele frequency attached by ClinVar (database versions not stated): gnomAD exomes 0.00001.
gnomAD v4.1: 3 of 1,614,116 alleles (0.00019%); highest among the groups gnomAD compares: Non-Finnish European, 0.00025%; no homozygotes.

Submission:

CeGaT Center for Human Genetics Tuebingen
Classification: Uncertain significance. Last evaluated: 2024-06-01. Review status: criteria provided, single submitter. Criteria: CeGaT Center For Human Genetics Tuebingen Variant Classification Criteria Version 2. Collection method: clinical testing. Allele origin: germline. Affected: yes. Observed: 1 variant allele.
Comment: ROR2: PM2